The following is an entry in ClinVar:

NM_001303256.3(MORC2):c.2921A>T (p.Lys974Met)

Gene: MORC2 (MORC family CW-type zinc finger 2; minus strand). Cytogenetic location: 22q12.2.
Variant type: single nucleotide variant.
Coding change: c.2921A>T on transcript NM_001303256.3 (MANE Select); coding-DNA position 2921, A replaced by T.
Protein change: p.Lys974Met; replaces lysine 974 with methionine.
Molecular consequence: missense variant.
Genome position (GRCh38, 1-based): chr22:30,928,128, T>A on the plus strand (A>T on the coding strand, the complement: MORC2 is on the minus strand). VCF-style: chr22-30928128-T-A. GRCh37 (hg19) VCF-style: chr22-31324115-T-A.
Other names: c.2921A>T, p.Lys974Met (NM_001303257.2); c.2735A>T, p.Lys912Met (NM_014941.3); short protein forms K912M, K974M.
Identifiers: ClinVar variation 1320968 (VCV001320968.2), dbSNP rs2147229542, ClinGen allele CA411229850.

ClinVar aggregate classification (germline): Uncertain significance (1 of 4 stars; one submission).

Submission:

GeneDx
Classification: Uncertain significance. Last evaluated: 2019-09-11. Review status: criteria provided, single submitter. Criteria: GeneDx Variant Classification Process June 2021. Collection method: clinical testing. Allele origin: germline. Affected: yes.
Comment: Not observed in large population cohorts (Lek et al., 2016); In silico analysis, which includes protein predictors and evolutionary conservation, supports a deleterious effect; Has not been previously published as pathogenic or benign to our knowledge